The following is an entry in ClinVar:

NM_015665.6(AAAS):c.1515T>C (p.Pro505=)

Gene: AAAS (aladin WD repeat nucleoporin; minus strand). Cytogenetic location: 12q13.13.
Variant type: single nucleotide variant.
Coding change: c.1515T>C on transcript NM_015665.6 (MANE Select); coding-DNA position 1515, T replaced by C.
Protein change: p.Pro505=; no amino-acid change (proline 505 retained).
Molecular consequence: synonymous variant.
Genome position (GRCh38, 1-based): chr12:53,307,615, A>G on the plus strand (T>C on the coding strand, the complement: AAAS is on the minus strand). VCF-style: chr12-53307615-A-G. GRCh37 (hg19) VCF-style: chr12-53701399-A-G.
Other names: p.Pro505=; c.1416T>C, p.Pro472= (NM_001173466.2).
Identifiers: ClinVar variation 309722 (VCV000309722.16), dbSNP rs35282133, ClinGen allele CA6598808.

ClinVar aggregate classification (germline): Benign/Likely benign. Review status: criteria provided, multiple submitters, no conflicts (2 of 4 stars). 4 submissions from 4 submitters: Benign (3); Likely benign (1). Last evaluated 2026-02-02.

Conditions:
AAAS-related disorder. Also called: AAAS-related condition.

Allele frequency attached by ClinVar (database versions not stated): gnomAD exomes 0.00074 and 0.00195; ExAC 0.00236; ESP Exome Variant Server 0.00723; gnomAD 0.00799 and 0.00843; TOPMed 0.00926; 1000 Genomes Project 30x 0.01234; 1000 Genomes Project 0.01238.
gnomAD v4.1: 2,372 of 1,614,144 alleles (0.15%); highest among the groups gnomAD compares: African/African-American, 2.7%; 37 homozygotes.

Submissions (4):

Labcorp Genetics (formerly Invitae), Labcorp
Classification: Benign. Last evaluated: 2026-02-02. Review status: criteria provided, single submitter. Criteria: Invitae Variant Classification Sherloc (09022015). Collection method: clinical testing. Allele origin: germline.

PreventionGenetics, part of Exact Sciences
Classification: Benign for AAAS-related condition. Last evaluated: 2025-05-02. Review status: criteria provided, single submitter. Criteria: ACMG Guidelines, 2015. Collection method: clinical testing. Allele origin: germline.
Comment: This variant is classified as benign based on ACMG/AMP sequence variant interpretation guidelines (Richards et al. 2015 PMID: 25741868, with internal and published modifications).

Mayo Clinic Laboratories, Mayo Clinic
Classification: Benign. Last evaluated: 2021-06-24. Review status: criteria provided, single submitter. Criteria: ACMG Guidelines, 2015. Collection method: clinical testing. Allele origin: germline. Observed: 7 variant alleles.

Breakthrough Genomics
Classification: Likely benign. Review status: criteria provided, single submitter. Criteria: ACMG Guidelines, 2015. Collection method: not provided. Allele origin: germline. Inheritance: Autosomal recessive inheritance. Affected: yes.